The following is an entry in ClinVar:

ClinVar aggregate classification (germline): Uncertain significance. Review status: criteria provided, single submitter (1 of 4 stars). 2 submissions from 2 submitters: Uncertain significance (1). 1 of the submissions does not count toward it. Last evaluated 2024-02-23.

Conditions:
POLG-related disorder. Also called: POLG-Related Spectrum Disorders; POLG-related condition; POLG-Related Disorders. Identifiers: MedGen C4763519.

Allele frequency attached by ClinVar (database versions not stated): ExAC 0.00001; gnomAD exomes 0.00002.
gnomAD v4.1: 29 of 1,614,128 alleles (0.0018%); highest among the groups gnomAD compares: South Asian, 0.011%; no homozygotes.

Submissions (2):

Athena Diagnostics
Classification: Uncertain significance. Last evaluated: 2024-02-23. Review status: criteria provided, single submitter. Criteria: Athena Diagnostics Criteria. Collection method: clinical testing. Allele origin: unknown.
Comment: Available data are insufficient to determine the clinical significance of the variant at this time. The frequency of this variant in the general population is uninformative in assessment of its pathogenicity. Computational tools predict that this variant is not damaging.

PreventionGenetics, part of Exact Sciences
Classification: Uncertain significance for POLG-related condition. Last evaluated: 2023-11-17. Review status: no assertion criteria provided. Collection method: clinical testing. Allele origin: germline. Not counted in ClinVar's aggregate classification.
Comment: The POLG c.1561C>T variant is predicted to result in the amino acid substitution p.Pro521Ser. To our knowledge, this variant has not been reported in the literature. This variant is reported in 0.0065% of alleles in individuals of South Asian descent in gnomAD. At this time, the clinical significance of this variant is uncertain due to the absence of conclusive functional and genetic evidence.

Literature cited by the submitters: PubMed 28480171 (cited by Athena Diagnostics).

NM_002693.3(POLG):c.1561C>T (p.Pro521Ser)

Gene: POLG (DNA polymerase gamma, catalytic subunit; minus strand). Cytogenetic location: 15q26.1.
Variant type: single nucleotide variant.
Coding change: c.1561C>T on transcript NM_002693.3 (MANE Select); coding-DNA position 1561, C replaced by T.
Protein change: p.Pro521Ser; replaces proline 521 with serine.
Molecular consequence: missense variant.
Genome position (GRCh38, 1-based): chr15:89,326,936, G>A on the plus strand (C>T on the coding strand, the complement: POLG is on the minus strand). VCF-style: chr15-89326936-G-A. GRCh37 (hg19) VCF-style: chr15-89870167-G-A.
Other names: c.1561C>T, p.Pro521Ser (NM_001126131.2); short protein forms P521S.
Identifiers: ClinVar variation 3029170 (VCV003029170.3), dbSNP rs775184544, ClinGen allele CA7724806.